The following is an entry in ClinVar:

NM_000268.4(NF2):c.810+13T>A

Gene: NF2 (NF2, moesin-ezrin-radixin like (MERLIN) tumor suppressor; plus strand). Cytogenetic location: 22q12.2.
Variant type: single nucleotide variant.
Coding change: c.810+13T>A on transcript NM_000268.4 (MANE Select); 13 bases into the intron after coding-DNA position 810, T replaced by A.
Molecular consequence: intron variant.
Genome position (GRCh38, 1-based): chr22:29,661,352, T>A. VCF-style: chr22-29661352-T-A. GRCh37 (hg19) VCF-style: chr22-30057341-T-A.
Other names: c.810+13T>A (NM_016418.5, NM_181832.3, NM_001407060.1 and 2 more transcripts); c.696+13T>A (NM_001407056.1, NM_001407053.1); c.579+13T>A (NM_001407067.1); c.276+13T>A (NM_001407065.1); c.675+3088T>A (NM_001407059.1, NM_001407057.1); c.447+19067T>A (NM_181833.3); c.687+13T>A (NM_001407058.1, NM_181829.3, NM_001407054.1); c.552+3088T>A (NM_001407062.1); and 2 more.
Identifiers: ClinVar variation 2914563 (VCV002914563.3), dbSNP rs2147011821, ClinGen allele CA2738108856.
Genomic context (GRCh38, chr22:29,661,352, plus strand): 5'-TCCTTCCCGTGGAATGAAATCCGAAACATCTCGTACAGTGACAAGGAGGTAGGACATGTG[T>A]GTACTGCAGATGGGTCCAGCAGATCTTTCCCTGTCTGCCCCCCTCACTGGAGCCTCCCCA-3'

ClinVar aggregate classification (germline): Uncertain significance (1 of 4 stars; one submission).

Conditions:
Neurofibromatosis, type 2 (SWNV). Also called: NF2-Related Schwannomatosis; BILATERAL ACOUSTIC NEUROFIBROMATOSIS; SCHWANNOMATOSIS, VESTIBULAR. Identifiers: Orphanet 637, MedGen C0027832, MONDO:0007039, OMIM 101000. Disease mechanism: loss of function.

Submission:

Labcorp Genetics (formerly Invitae), Labcorp
Classification: Uncertain significance for Neurofibromatosis, type 2. Last evaluated: 2023-06-01. Review status: criteria provided, single submitter. Criteria: Invitae Variant Classification Sherloc (09022015). Collection method: clinical testing. Allele origin: germline.
Comment: In summary, the available evidence is currently insufficient to determine the role of this variant in disease. Therefore, it has been classified as a Variant of Uncertain Significance. Algorithms developed to predict the effect of sequence changes on RNA splicing suggest that this variant may create or strengthen a splice site. This variant has not been reported in the literature in individuals affected with NF2-related conditions. This variant is not present in population databases (gnomAD no frequency). This sequence change falls in intron 8 of the NF2 gene. It does not directly change the encoded amino acid sequence of the NF2 protein.